The following is an entry in ClinVar:

ClinVar aggregate classification (germline): Likely pathogenic. Review status: criteria provided, multiple submitters, no conflicts (2 of 4 stars). 4 submissions from 4 submitters: Likely pathogenic (4). Last evaluated 2024-01-27.

Conditions:
Hereditary cancer-predisposing syndrome. Also called: Neoplastic Syndromes, Hereditary; Tumor predisposition; Hereditary Cancer Syndrome; Hereditary neoplastic syndrome. Identifiers: Orphanet 140162, MedGen C0027672, MeSH D009386, MONDO:0015356.
Familial cancer of breast. Also called: BREAST CANCER, FAMILIAL; hereditary breast carcinoma; Hereditary breast cancer. Identifiers: Orphanet 227535, MedGen C0346153, MONDO:0016419, OMIM 114480. Disease mechanism: loss of function.

Submissions (4):

Labcorp Genetics (formerly Invitae), Labcorp
Classification: Likely pathogenic for Familial cancer of breast. Last evaluated: 2024-01-27. Review status: criteria provided, single submitter. Criteria: Invitae Variant Classification Sherloc (09022015). Collection method: clinical testing. Allele origin: germline.
Comment: This sequence change results in a frameshift in the CHEK2 gene (p.Ser516Leufs*50). While this is not anticipated to result in nonsense mediated decay, it is expected to disrupt the last 28 amino acid(s) of the CHEK2 protein and extend the protein by 21 additional amino acid residues. This variant is not present in population databases (gnomAD no frequency). This variant has not been reported in the literature in individuals affected with CHEK2-related conditions. ClinVar contains an entry for this variant (Variation ID: 460809). This variant disrupts the nuclear localization signal (NLS) of the CHEK2 protein, which is critical for proper nuclear localization (PMID: 18004398, 12909615). While functional studies have not been performed to directly test the effect of this variant on CHEK2 protein function, this suggests that disruption of this region of the protein is causative of disease. In summary, the currently available evidence indicates that the variant is pathogenic, but additional data are needed to prove that conclusively. Therefore, this variant has been classified as Likely Pathogenic.

Myriad Genetics, Inc.
Classification: Likely pathogenic for Familial cancer of breast. Last evaluated: 2023-11-20. Review status: criteria provided, single submitter. Criteria: Myriad Autosomal Dominant, Autosomal Recessive and X-Linked Classification Criteria (2023). Collection method: clinical testing. Allele origin: unknown.
Comment: This variant is considered likely pathogenic. This variant creates a frameshift predicted to result in the incorporation of abnormal amino acid sequence into the protein product and abnormal protein elongation.

Baylor Genetics
Classification: Likely pathogenic for Familial cancer of breast. Last evaluated: 2023-04-20. Review status: criteria provided, single submitter. Criteria: ACMG Guidelines, 2015. Collection method: clinical testing. Allele origin: unknown.

Ambry Genetics
Classification: Likely pathogenic for Hereditary cancer-predisposing syndrome. Last evaluated: 2020-07-21. Review status: criteria provided, single submitter. Criteria: Ambry Variant Classification Scheme 2023. Collection method: clinical testing. Allele origin: germline.
Comment: The c.1547delC variant, located in coding exon 14 of the CHEK2 gene, results from a deletion of one nucleotide at nucleotide position 1547, causing a translational frameshift with a predicted alternate stop codon (p.S516Lfs*50). This alteration occurs near the 3' terminus of CHEK2 and results in the last 28 amino acids being replaced by alternate amino acid residues and the elongation of the encoded protein by 21 additional amino acids. The inserted amino acids are predicted to disrupt the nuclear localization signal of the protein; however, empirical evidence has not been published (Zannini L et al. J Biol Chem. 2003 Oct 24;278(43):42346-51). Based on the majority of available evidence to date, this variant is likely to be pathogenic.

Literature cited by the submitters: PubMed 18004398 (cited by Labcorp Genetics (formerly Invitae), Labcorp); PubMed 12909615 (cited by Labcorp Genetics (formerly Invitae), Labcorp).

NM_007194.4(CHEK2):c.1547del (p.Ser516fs)

Gene: CHEK2 (checkpoint kinase 2; minus strand). Cytogenetic location: 22q12.1.
Variant type: Deletion.
Coding change: c.1547del on transcript NM_007194.4 (MANE Select); coding-DNA position 1547, one base deleted (C; older notation c.1547delC).
Protein change: p.Ser516fs; shifts the reading frame from serine 516.
Molecular consequence: frameshift variant.
Genome position (GRCh38, 1-based): chr22:28,687,982, G deleted on the plus strand (C on the coding strand, the reverse complement: CHEK2 is on the minus strand). VCF-style (leftmost placement, unchanged base first): chr22-28687981-AG-A. GRCh37 (hg19) VCF-style: chr22-29083969-AG-A.
Other names: c.1676delC, p.Ser559Leufs (NM_001005735.3); c.884delC, p.Ser295Leufs (NM_001257387.3); c.1346delC, p.Ser449Leufs (NM_001349956.3); c.1460delC, p.Ser487Leufs (NM_145862.3); c.1547delC (NM_007194.3); short protein forms S449fs, S516fs, S559fs, S295fs, S487fs.
Identifiers: ClinVar variation 460809 (VCV000460809.17), dbSNP rs1555911635, ClinGen allele CA658656809.